The following is an entry in ClinVar:

ClinVar aggregate classification (germline): Likely benign. Review status: criteria provided, multiple submitters, no conflicts (2 of 4 stars). 2 submissions from 2 submitters: Likely benign (2). Last evaluated 2018-01-13.

Conditions:
Microcephaly 5, primary, autosomal recessive (MCPH5). Also called: ASPM Primary Microcephaly. Identifiers: Orphanet 2512, MedGen C1837501, MONDO:0012106, OMIM 608716.

Allele frequency attached by ClinVar (database versions not stated): gnomAD exomes 0.00067; gnomAD 0.00121; TOPMed 0.00141; 1000 Genomes Project 30x 0.00281; 1000 Genomes Project 0.00339.
gnomAD v4.1: 832 of 1,173,884 alleles (0.071%); highest among the groups gnomAD compares: East Asian, 1.8%; 8 homozygotes.

Submissions (2):

Illumina Laboratory Services, Illumina
Classification: Likely benign for Microcephaly 5, primary, autosomal recessive. Last evaluated: 2018-01-13. Review status: criteria provided, single submitter. Criteria: ICSL Variant Classification Criteria 13 December 2019. Collection method: clinical testing. Allele origin: germline.
Comment: This variant was observed in the ICSL laboratory as part of a predisposition screen in an ostensibly healthy population. It had not been previously curated by ICSL or reported in the Human Gene Mutation Database (HGMD: prior to June 1st, 2018), and was therefore a candidate for classification through an automated scoring system. Utilizing variant allele frequency, disease prevalence and penetrance estimates, and inheritance mode, an automated score was calculated to assess if this variant is too frequent to cause the disease. Based on the score and internal cut-off values, a variant classified as likely benign is not then subjected to further curation. The score for this variant resulted in a classification of likely benign for this disease.

Breakthrough Genomics
Classification: Likely benign. Review status: criteria provided, single submitter. Criteria: ACMG Guidelines, 2015. Collection method: not provided. Allele origin: germline. Inheritance: Autosomal recessive inheritance. Affected: yes.

NM_018136.5(ASPM):c.-114C>A

Gene: ASPM (assembly factor for spindle microtubules; minus strand). Cytogenetic location: 1q31.3.
Variant type: single nucleotide variant.
Coding change: c.-114C>A on transcript NM_018136.5 (MANE Select); 114 bases upstream of the start codon, C replaced by A.
Molecular consequence: 5 prime UTR variant.
Genome position (GRCh38, 1-based): chr1:197,146,551, G>T on the plus strand (C>A on the coding strand, the complement: ASPM is on the minus strand). VCF-style: chr1-197146551-G-T. GRCh37 (hg19) VCF-style: chr1-197115681-G-T.
Other names: c.-114C>A (NM_001206846.2).
Identifiers: ClinVar variation 294661 (VCV000294661.6), dbSNP rs78280885, ClinGen allele CA10608715.